The following is an entry in ClinVar:

ClinVar aggregate classification (germline): Likely benign (1 of 4 stars; one submission).

gnomAD v4.1: 9 of 1,468,054 alleles (0.00061%); highest among the groups gnomAD compares: Admixed American, 0.023%; no homozygotes.

Submission:

CeGaT Center for Human Genetics Tuebingen
Classification: Likely benign. Last evaluated: 2026-04-01. Review status: criteria provided, single submitter. Criteria: CeGaT Center For Human Genetics Tuebingen Variant Classification Criteria Version 2. Collection method: clinical testing. Allele origin: germline. Affected: yes. Observed: 1 variant allele.
Comment: BICRA: BP4, BP7

NM_001394372.1(BICRA):c.4152C>T (p.Arg1384=)

Gene: BICRA (BRD4 interacting chromatin remodeling complex associated protein; plus strand). Cytogenetic location: 19q13.33.
Variant type: single nucleotide variant.
Coding change: c.4152C>T on transcript NM_001394372.1 (MANE Select); coding-DNA position 4152, C replaced by T.
Protein change: p.Arg1384=; no amino-acid change (arginine 1384 retained).
Molecular consequence: synonymous variant.
Genome position (GRCh38, 1-based): chr19:47,701,884, C>T. VCF-style: chr19-47701884-C-T. GRCh37 (hg19) VCF-style: chr19-48205141-C-T.
Other names: c.4152C>T, p.Arg1384= (NM_015711.3).
Identifiers: ClinVar variation 4874741 (VCV004874741.2).
Genomic context (GRCh38, chr19:47,701,884, plus strand): 5'-CCACCCGCCGCCTGCCGCCCCCGAGCGCAAGCCCCTGGGCACCGCCCCGCACTGCCCGCG[C>T]CTGCCACTGCGCAAGACCTACCGCGAGAACGTGGGGGGCCCTGGCGCGCCGGAGGGGACG-3'
Protein context (NP_001381301.1, residues 1374-1394): KPLGTAPHCP[Arg1384=]LPLRKTYREN